The following is an entry in ClinVar:

NM_001005273.3(CHD3):c.704C>A (p.Ala235Glu)

Gene: CHD3 (chromodomain helicase DNA binding protein 3; plus strand). Cytogenetic location: 17p13.1.
Variant type: single nucleotide variant.
Coding change: c.704C>A on transcript NM_001005273.3 (MANE Select); coding-DNA position 704, C replaced by A.
Protein change: p.Ala235Glu; replaces alanine 235 with glutamic acid.
Molecular consequence: missense variant.
Genome position (GRCh38, 1-based): chr17:7,893,480, C>A. VCF-style: chr17-7893480-C-A. GRCh37 (hg19) VCF-style: chr17-7796798-C-A.
Other names: c.881C>A, p.Ala294Glu (NM_001005271.3); c.704C>A, p.Ala235Glu (NM_005852.4); short protein forms A235E, A294E.
Identifiers: ClinVar variation 1313116 (VCV001313116.3), dbSNP rs1969176834, ClinGen allele CA397937338.

ClinVar aggregate classification (germline): Uncertain significance (1 of 4 stars; one submission).

Submission:

GeneDx
Classification: Uncertain significance. Last evaluated: 2024-11-18. Review status: criteria provided, single submitter. Criteria: GeneDx Variant Classification Process June 2021. Collection method: clinical testing. Allele origin: germline. Affected: yes.
Comment: Not observed at significant frequency in large population cohorts (gnomAD); In silico analysis supports that this missense variant does not alter protein structure/function; Has not been previously published as pathogenic or benign to our knowledge